The following is an entry in ClinVar:

ClinVar aggregate classification (germline): Likely benign (1 of 4 stars; one submission).

Conditions:
Malignant hyperthermia, susceptibility to, 1 (MHS1). Also called: Anesthesia related hyperthermia; Malignant hyperpyrexia; Fulminating hyperpyrexia; Pharmacogenic myopathy; RYR1-Related Malignant Hyperthermia Susceptibility; Malignant hyperthermia suceptibility 1. Identifiers: Orphanet 423, MedGen C2930980, MONDO:0007783, OMIM 145600.

Submission:

All of Us Research Program, National Institutes of Health
Classification: Likely benign for Malignant hyperthermia, susceptibility to, 1. Last evaluated: 2024-05-14. Review status: criteria provided, single submitter. Criteria: ACMG Guidelines, 2015. Collection method: clinical testing. Allele origin: germline. Inheritance: Autosomal dominant inheritance. Observed: 1 variant allele, 1 heterozygote.
Comment: This study involves interpretation of variants in research participants for the purpose of population health screening. Participant phenotype was not available at the time of variant classification. Additional details can be found in publication PMID: 35346344, PMCID: PMC8962531

NM_000540.3(RYR1):c.4455-12T>G

Gene: RYR1 (ryanodine receptor 1; plus strand). Cytogenetic location: 19q13.2.
Variant type: single nucleotide variant.
Coding change: c.4455-12T>G on transcript NM_000540.3 (MANE Select); 12 bases into the intron before coding-DNA position 4455, T replaced by G.
Molecular consequence: intron variant.
Genome position (GRCh38, 1-based): chr19:38,478,423, T>G. VCF-style: chr19-38478423-T-G. GRCh37 (hg19) VCF-style: chr19-38969063-T-G.
Other names: c.4455-12T>G (NM_001042723.2).
Identifiers: ClinVar variation 3387712 (VCV003387712.1).